The following is an entry in ClinVar:

ClinVar aggregate classification (germline): Conflicting classifications of pathogenicity. Review status: criteria provided, conflicting classifications (1 of 4 stars). 2 submissions from 2 submitters: Likely pathogenic (1); Uncertain significance (1). Last evaluated 2020-10-21.

Conditions:
TNFRSF13B-related disorder. Also called: TNFRSF13B-related condition.

Submissions (2):

GeneDx
Classification: Uncertain significance. Last evaluated: 2020-10-21. Review status: criteria provided, single submitter. Criteria: GeneDx Variant Classification Process June 2021. Collection method: clinical testing. Allele origin: germline. Affected: yes.
Comment: Observed with a pathogenic variant in a patient with common variable immune deficiency and lymphadenopathy in published literature, but it is not known whether the variants occurred on the same (in cis) or on different (in trans) chromosomes (Salzer et al., 2009); Frameshift variant predicted to result in protein truncation, as the last 103 amino acids are replaced with 45 different amino acids, and other loss-of-function variants have been reported downstream in the Human Gene Mutation Database (Stenson et al., 2014); This variant is associated with the following publications: (PMID: 18981294, 22884984)

Blueprint Genetics
Classification: Likely pathogenic for TNFRSF13B-related disorders. Last evaluated: 2019-09-09. Review status: criteria provided, single submitter. Criteria: ACMG Guidelines, 2015. Collection method: clinical testing. Allele origin: germline. Affected: yes. Observed: 1 variant allele.

NM_012452.3(TNFRSF13B):c.571dup (p.Asp191fs)

Gene: TNFRSF13B (TNF receptor superfamily member 13B; minus strand). Cytogenetic location: 17p11.2.
Variant type: Duplication.
Coding change: c.571dup on transcript NM_012452.3 (MANE Select); coding-DNA position 571, one base duplicated (G; older notation c.571dupG).
Protein change: p.Asp191fs; shifts the reading frame from aspartic acid 191.
Molecular consequence: frameshift variant.
Genome position (GRCh38, 1-based): chr17:16,940,386, C duplicated on the plus strand (G on the coding strand, the reverse complement: TNFRSF13B is on the minus strand); the first of 6 consecutive C bases (chr17:16,940,386-16,940,391); duplicating any one gives the same sequence. VCF-style (leftmost placement, unchanged base first): chr17-16940385-T-TC. GRCh37 (hg19) VCF-style: chr17-16843699-T-TC.
Other names: short protein forms D191fs.
Identifiers: ClinVar variation 1304570 (VCV001304570.3), dbSNP rs72553884, ClinGen allele CA8413940.